The following is an entry in ClinVar:

NM_005120.3(MED12):c.4154C>T (p.Ala1385Val)

Gene: MED12 (mediator complex subunit 12; plus strand). Cytogenetic location: Xq13.1.
Variant type: single nucleotide variant.
Coding change: c.4154C>T on transcript NM_005120.3 (MANE Select); coding-DNA position 4154, C replaced by T.
Protein change: p.Ala1385Val; replaces alanine 1385 with valine.
Molecular consequence: missense variant.
Genome position (GRCh38, 1-based): chrX:71,132,107, C>T. VCF-style: chrX-71132107-C-T. GRCh37 (hg19) VCF-style: chrX-70351957-C-T.
Other names: short protein forms A1385V.
Identifiers: ClinVar variation 528482 (VCV000528482.11), dbSNP rs771349148, ClinGen allele CA10444603.

ClinVar aggregate classification (germline): Uncertain significance. Review status: criteria provided, multiple submitters, no conflicts (2 of 4 stars). 2 submissions from 2 submitters: Uncertain significance (2). Last evaluated 2025-01-18.

Conditions:
FG syndrome (FGS). Identifiers: MedGen C0220769, MONDO:0002010.
Familial thoracic aortic aneurysm and aortic dissection (TAAD). Also called: Thoracic aortic aneurysms and dissections. Identifiers: Orphanet 91387, MedGen C4707243, MONDO:0019625.

Allele frequency attached by ClinVar (database versions not stated): gnomAD exomes below 0.00001 and 0.00001; TOPMed below 0.00001; ExAC 0.00001.
gnomAD v4.1: 3 of 1,210,342 alleles (0.00025%); highest among the groups gnomAD compares: Admixed American, 0.0043%; no homozygotes.

Submissions (3):

Labcorp Genetics (formerly Invitae), Labcorp
Classification: Uncertain significance for FG syndrome. Last evaluated: 2025-01-18. Review status: criteria provided, single submitter. Criteria: Invitae Variant Classification Sherloc (09022015). Collection method: clinical testing. Allele origin: germline.
Comment: This sequence change replaces alanine, which is neutral and non-polar, with valine, which is neutral and non-polar, at codon 1385 of the MED12 protein (p.Ala1385Val). This variant is present in population databases (rs771349148, gnomAD 0.004%). This variant has not been reported in the literature in individuals affected with MED12-related conditions. ClinVar contains an entry for this variant (Variation ID: 528482). Invitae Evidence Modeling of protein sequence and biophysical properties (such as structural, functional, and spatial information, amino acid conservation, physicochemical variation, residue mobility, and thermodynamic stability) has been performed for this missense variant. However, the output from this modeling did not meet the statistical confidence thresholds required to predict the impact of this variant on MED12 protein function. In summary, the available evidence is currently insufficient to determine the role of this variant in disease. Therefore, it has been classified as a Variant of Uncertain Significance.

Ambry Genetics
Classification: Uncertain significance for Familial thoracic aortic aneurysm and aortic dissection. Last evaluated: 2024-05-05. Review status: criteria provided, single submitter. Criteria: Ambry Variant Classification Scheme 2023. Collection method: clinical testing. Allele origin: germline.
Comment: The p.A1385V variant (also known as c.4154C>T), located in coding exon 30 of the MED12 gene, results from a C to T substitution at nucleotide position 4154. The alanine at codon 1385 is replaced by valine, an amino acid with similar properties. This amino acid position is conserved. In addition, this alteration is predicted to be tolerated by in silico analysis. Based on the available evidence, the clinical significance of this variant remains unclear.

Dr. Peter K. Rogan Lab, Western University
No classification provided (evidence only). Condition: Melanoma. Review status: no classification provided. Collection method: in vitro. Allele origin: not applicable. Functional consequence: retained intron. Not counted in ClinVar's aggregate classification.